The following is an entry in ClinVar:

ClinVar aggregate classification (germline): Uncertain significance (1 of 4 stars; one submission).

Allele frequency attached by ClinVar (database versions not stated): gnomAD exomes below 0.00001.
gnomAD v4.1: 1 of 1,613,354 alleles (0.000062%); highest among the groups gnomAD compares: Non-Finnish European, 0.000085%; no homozygotes.

Submission:

Labcorp Genetics (formerly Invitae), Labcorp
Classification: Uncertain significance. Last evaluated: 2023-12-27. Review status: criteria provided, single submitter. Criteria: Invitae Variant Classification Sherloc (09022015). Collection method: clinical testing. Allele origin: germline.
Comment: This sequence change replaces isoleucine, which is neutral and non-polar, with valine, which is neutral and non-polar, at codon 610 of the CAMK2B protein (p.Ile610Val). This variant is not present in population databases (gnomAD no frequency). This variant has not been reported in the literature in individuals affected with CAMK2B-related conditions. An algorithm developed to predict the effect of missense changes on protein structure and function (PolyPhen-2) suggests that this variant is likely to be tolerated. In summary, the available evidence is currently insufficient to determine the role of this variant in disease. Therefore, it has been classified as a Variant of Uncertain Significance.

NM_001220.5(CAMK2B):c.1828A>G (p.Ile610Val)

Gene: CAMK2B (calcium/calmodulin dependent protein kinase II beta; minus strand). Cytogenetic location: 7p13.
Variant type: single nucleotide variant.
Coding change: c.1828A>G on transcript NM_001220.5 (MANE Select); coding-DNA position 1828, A replaced by G.
Protein change: p.Ile610Val; replaces isoleucine 610 with valine.
Molecular consequence: missense variant.
Genome position (GRCh38, 1-based): chr7:44,220,235, T>C on the plus strand (A>G on the coding strand, the complement: CAMK2B is on the minus strand). VCF-style: chr7-44220235-T-C. GRCh37 (hg19) VCF-style: chr7-44259834-T-C.
Other names: c.1267A>G, p.Ile423Val (NM_172083.3); c.1177A>G, p.Ile393Val (NM_172084.3); c.1456A>G, p.Ile486Val (NM_001293170.2, NM_172078.3); c.1384A>G, p.Ile462Val (NM_172079.3); c.1381A>G, p.Ile461Val (NM_172080.3); c.1339A>G, p.Ile447Val (NM_172081.3); c.1306A>G, p.Ile436Val (NM_172082.3); short protein forms I423V, I461V, I610V, I393V, I447V, I462V, I486V, I436V.
Identifiers: ClinVar variation 2705924 (VCV002705924.3), dbSNP rs2484763262, ClinGen allele CA367368695.
Genomic context (GRCh38, chr7:44,220,235, plus strand): 5'-CCTGCCCGTCAATGTACTGCGTGAGCCGGATGTAAGCGATGCAGGCGGCATCCTCTCCAA[T>C]GACGTGCACGTGTGGGTTCAGGATGGTCGTGTGGATCGGCTTGCTGTTCTTGGCCAGCAC-3'
Protein context (NP_001211.3, residues 600-620): TTILNPHVHV[Ile610Val]GEDAACIAYI